The following is an entry in ClinVar:

NM_000127.3(EXT1):c.1056+3A>C

Gene: EXT1 (exostosin glycosyltransferase 1; minus strand). Cytogenetic location: 8q24.11.
Variant type: single nucleotide variant.
Coding change: c.1056+3A>C on transcript NM_000127.3 (MANE Select); 3 bases into the intron after coding-DNA position 1056, A replaced by C.
Molecular consequence: intron variant.
Genome position (GRCh38, 1-based): chr8:117,837,105, T>G on the plus strand (A>C on the coding strand, the complement: EXT1 is on the minus strand). VCF-style: chr8-117837105-T-G. GRCh37 (hg19) VCF-style: chr8-118849344-T-G.
Identifiers: ClinVar variation 456060 (VCV000456060.8), dbSNP rs1554580140, ClinGen allele CA658657822.

ClinVar aggregate classification (germline): Pathogenic (1 of 4 stars; one submission).

Conditions:
Multiple congenital exostosis (EXT). Also called: MULTIPLE CARTILAGINOUS EXOSTOSES; Hereditary multiple osteochondromas; Multiple exostoses; Hereditary multiple exostoses; Hereditary multiple exostosis; Multiple osteochondromas. Identifiers: Orphanet 321, MedGen C0015306, MONDO:0005508, HP:0002762.

Submission:

Labcorp Genetics (formerly Invitae), Labcorp
Classification: Pathogenic for Multiple congenital exostosis. Last evaluated: 2017-05-17. Review status: criteria provided, single submitter. Criteria: Invitae Variant Classification Sherloc (09022015). Collection method: clinical testing. Allele origin: germline.
Comment: For these reasons, this variant has been classified as Pathogenic. Nucleotide substitutions within the consensus splice site are relatively common causes of aberrant splicing (PMID: 17576681, 9536098). Algorithms developed to predict the effect of nucleotide changes on RNA splicing suggest that this variant may alter RNA splicing, but this prediction has not been confirmed by published transcriptional studies. This variant has been reported in an individual affected with multiple osteochondromas (PMID: 19810120). Family studies have also indicated that this variant segregates with multiple osteochondromas in a family (Invitae). This variant is not present in population databases (ExAC no frequency). This sequence change falls in intron 2 of the EXT1 gene. It does not directly change the encoded amino acid sequence of the EXT1 protein, but it affects a nucleotide within the consensus splice site of the intron.

Literature cited by the submitters: PubMed 17576681; PubMed 9536098; PubMed 19810120.